The following is an entry in ClinVar:

NM_001182.5(ALDH7A1):c.1126C>A (p.Gln376Lys)

Gene: ALDH7A1 (aldehyde dehydrogenase 7 family member A1; minus strand). Cytogenetic location: 5q23.2.
Variant type: single nucleotide variant.
Coding change: c.1126C>A on transcript NM_001182.5 (MANE Select); coding-DNA position 1126, C replaced by A.
Protein change: p.Gln376Lys; replaces glutamine 376 with lysine.
Molecular consequence: missense variant. On other transcripts: intron variant (1).
Genome position (GRCh38, 1-based): chr5:126,554,361, G>T on the plus strand (C>A on the coding strand, the complement: ALDH7A1 is on the minus strand). VCF-style: chr5-126554361-G-T. GRCh37 (hg19) VCF-style: chr5-125890053-G-T.
Other names: c.1042C>A, p.Gln348Lys (NM_001201377.2); c.1009-2224C>A (NM_001202404.2); short protein forms Q376K, Q348K.
Identifiers: ClinVar variation 388326 (VCV000388326.7), dbSNP rs564187364, ClinGen allele CA16605209.

ClinVar aggregate classification (germline): Uncertain significance. Review status: criteria provided, multiple submitters, no conflicts (2 of 4 stars). 3 submissions from 3 submitters: Uncertain significance (3). Last evaluated 2023-04-11.

Conditions:
Pyridoxine-dependent epilepsy (EPEO4). Also called: Pyridoxine-Dependent Epilepsy - ALDH7A1; EPILEPSY, EARLY-ONSET, 4, VITAMIN B6-DEPENDENT; Pyridoxine-Dependent Seizures; PYRIDOXINE DEPENDENCY WITH SEIZURES. Identifiers: Orphanet 3006, MedGen C1849508, MONDO:0009945, OMIM 266100. Disease mechanism: loss of function.

Allele frequency attached by ClinVar (database versions not stated): gnomAD 0.00001; gnomAD exomes 0.00001.
gnomAD v4.1: 5 of 1,614,106 alleles (0.00031%); highest among the groups gnomAD compares: Admixed American, 0.0067%; no homozygotes.

Submissions (3):

Genome-Nilou Lab
Classification: Uncertain significance for Pyridoxine-dependent epilepsy. Last evaluated: 2023-04-11. Review status: criteria provided, single submitter. Criteria: ACMG Guidelines, 2015. Collection method: clinical testing. Allele origin: germline. Affected: no.

Labcorp Genetics (formerly Invitae), Labcorp
Classification: Uncertain significance for Pyridoxine-dependent epilepsy. Last evaluated: 2022-07-20. Review status: criteria provided, single submitter. Criteria: Invitae Variant Classification Sherloc (09022015). Collection method: clinical testing. Allele origin: germline.
Comment: This sequence change replaces glutamine, which is neutral and polar, with lysine, which is basic and polar, at codon 376 of the ALDH7A1 protein (p.Gln376Lys). This variant is present in population databases (rs564187364, gnomAD 0.006%). This variant has not been reported in the literature in individuals affected with ALDH7A1-related conditions. ClinVar contains an entry for this variant (Variation ID: 388326). Advanced modeling of protein sequence and biophysical properties (such as structural, functional, and spatial information, amino acid conservation, physicochemical variation, residue mobility, and thermodynamic stability) performed at Invitae indicates that this missense variant is not expected to disrupt ALDH7A1 protein function. In summary, the available evidence is currently insufficient to determine the role of this variant in disease. Therefore, it has been classified as a Variant of Uncertain Significance.

GeneDx
Classification: Uncertain significance. Last evaluated: 2016-08-04. Review status: criteria provided, single submitter. Criteria: GeneDx Variant Classification (06012015). Collection method: clinical testing. Allele origin: germline. Affected: yes.
Comment: A variant of uncertain significance has been identified in the ALDH7A1 gene. The Q376K variant has not been published as a pathogenic variant, nor has it been reported as a benign variant to our knowledge. It was not observed in approximately 6,500 individuals of European and African American ancestry in the NHLBI Exome Sequencing Project, indicating it is not a common benign variant in these populations. This substitution occurs at a position that is conserved across species. The Q376K variant is a semi-conservative amino acid substitution, which may impact secondary protein structure as these residues differ in some properties. However, in silico analysis is inconsistent in its predictions as to whether or not the variant is damaging to the protein structure/function. Therefore, based on the currently available information, it is unclear whether this variant is a pathogenic variant or a rare benign variant.